The following is an entry in ClinVar:

ClinVar aggregate classification (germline): Likely pathogenic. Review status: criteria provided, multiple submitters, no conflicts (2 of 4 stars). 2 submissions from 2 submitters: Likely pathogenic (2). Last evaluated 2025-05-23.

Conditions:
COL2A1-related disorder. Also called: COL2A1-related condition; COL2A1-related disorders.

Submissions (2):

3billion
Classification: Likely pathogenic for COL2A1-related disorder. Last evaluated: 2025-05-23. Review status: criteria provided, single submitter. Criteria: ACMG Guidelines, 2015. Collection method: clinical testing. Allele origin: germline. Affected: yes.
Comment: The variant is not observed in the gnomAD v4.1.0 dataset. Predicted Consequence/Location: The variant is located in a mutational hot spot and/or well-established functional domain in which established pathogenic variants have been reported (PMID: 26626311). In silico tool predictions suggest damaging effect of the variant on gene or gene product [REVEL: 1.00 (>=0.6, sensitivity 0.68 and specificity 0.92); 3Cnet: 0.87 (> 0.75, sensitivity 0.96 and precision 0.92)]. The same nucleotide change resulting in the same amino acid change has been previously reported to be associated with COL2A1-related disorder (ClinVar ID: VCV003648379). A different missense change at the same codon (p.Gly690Arg) has been reported to be associated with COL2A1-related disorder (ClinVar ID: VCV001458157 /PMID: 25604898). Therefore, this variant is classified as Likely pathogenic according to the recommendation of ACMG/AMP guideline.

Labcorp Genetics (formerly Invitae), Labcorp
Classification: Likely pathogenic. Last evaluated: 2024-04-01. Review status: criteria provided, single submitter. Criteria: Invitae Variant Classification Sherloc (09022015). Collection method: clinical testing. Allele origin: germline.
Comment: This sequence change replaces glycine, which is neutral and non-polar, with glutamic acid, which is acidic and polar, at codon 690 of the COL2A1 protein (p.Gly690Glu). This variant is not present in population databases (gnomAD no frequency). This variant has not been reported in the literature in individuals affected with COL2A1-related conditions. Advanced modeling of protein sequence and biophysical properties (such as structural, functional, and spatial information, amino acid conservation, physicochemical variation, residue mobility, and thermodynamic stability) performed at Invitae indicates that this missense variant is expected to disrupt COL2A1 protein function with a positive predictive value of 95%. This variant disrupts the triple helix domain of COL2A1. Glycine residues within the Gly-Xaa-Yaa repeats of the triple helix domain are required for the structure and stability of fibrillar collagens (PMID: 7695699, 8218237, 19344236). In COL2A1, variants affecting these glycine residues are significantly enriched in individuals with disease (PMID: 9016532, 17078022) compared to the general population (ExAC). In summary, the currently available evidence indicates that the variant is pathogenic, but additional data are needed to prove that conclusively. Therefore, this variant has been classified as Likely Pathogenic.

Literature cited by the submitters: PubMed 25604898 (cited by 3billion); PubMed 7695699 (cited by Labcorp Genetics (formerly Invitae), Labcorp); PubMed 8218237 (cited by Labcorp Genetics (formerly Invitae), Labcorp); PubMed 19344236 (cited by Labcorp Genetics (formerly Invitae), Labcorp); PubMed 9016532 (cited by Labcorp Genetics (formerly Invitae), Labcorp); PubMed 17078022 (cited by Labcorp Genetics (formerly Invitae), Labcorp).

NM_001844.5(COL2A1):c.2069G>A (p.Gly690Glu)

Gene: COL2A1 (collagen type II alpha 1 chain; minus strand). Cytogenetic location: 12q13.11.
Variant type: single nucleotide variant.
Coding change: c.2069G>A on transcript NM_001844.5 (MANE Select); coding-DNA position 2069, G replaced by A.
Protein change: p.Gly690Glu; replaces glycine 690 with glutamic acid.
Molecular consequence: missense variant.
Genome position (GRCh38, 1-based): chr12:47,983,118, C>T on the plus strand (G>A on the coding strand, the complement: COL2A1 is on the minus strand). VCF-style: chr12-47983118-C-T. GRCh37 (hg19) VCF-style: chr12-48376901-C-T.
Other names: c.1862G>A, p.Gly621Glu (NM_033150.3); short protein forms G621E, G690E.
Identifiers: ClinVar variation 3648379 (VCV003648379.3).
Genomic context (GRCh38, chr12:47,983,118, plus strand): 5'-AGGAGGCAGCCCGCATTGGCCAACAGGATACTCACCCTGGGACCCACGAGGCCAGGGGCT[C>T]CAGCTTCACCGGGAACACCCTGGAGAACAAAGAAAGATGTGTGAGAGTGAAGGCTTCATA-3'
Protein context (NP_001835.3, residues 680-700): PGDQGVPGEA[Gly690Glu]APGLVGPRGE